The following is an entry in ClinVar:

ClinVar aggregate classification (germline): Uncertain significance (1 of 4 stars; one submission).

Conditions:
POMC-related disorder. Also called: POMC-related condition; POMC-related disorders.

Submission:

PreventionGenetics, part of Exact Sciences
Classification: Uncertain significance for POMC-related condition. Last evaluated: 2025-08-13. Review status: criteria provided, single submitter. Criteria: ACMG Guidelines, 2015. Collection method: clinical testing. Allele origin: germline.
Comment: The POMC c.664_665delinsCC variant is predicted to result in an in-frame deletion and insertion. To our knowledge, this variant has not been reported in the literature or in a large population database (gnomAD), indicating this variant is rare. At this time, the clinical significance of this variant is uncertain due to the absence of conclusive functional and genetic evidence.

NM_000939.4(POMC):c.664_665delinsCC (p.Arg222Pro)

Gene: POMC (proopiomelanocortin; minus strand). Cytogenetic location: 2p23.3.
Variant type: Indel.
Coding change: c.664_665delinsCC on transcript NM_000939.4 (MANE Select); coding-DNA positions 664 to 665, AG replaced by CC.
Protein change: p.Arg222Pro; replaces arginine 222 with proline.
Molecular consequence: missense variant.
Genome position (GRCh38, 1-based): chr2:25,161,220-25,161,221, CT replaced by GG on the plus strand (AG replaced by CC on the coding strand, the reverse complement: POMC is on the minus strand). VCF-style: chr2-25161220-CT-GG. GRCh37 (hg19) VCF-style: chr2-25384089-CT-GG.
Other names: c.664_665delinsCC, p.Arg222Pro (NM_001035256.3, NM_001319204.2, NM_001319205.2); short protein forms R222P.
Identifiers: ClinVar variation 4993631 (VCV004993631.1).